The following is an entry in ClinVar:

NM_000038.6(APC):c.3470del (p.Glu1157fs)

Gene: APC (APC regulator of Wnt signaling pathway; plus strand). Cytogenetic location: 5q22.2.
Variant type: Deletion.
Coding change: c.3470del on transcript NM_000038.6 (MANE Select); coding-DNA position 3470, one base deleted (A; older notation c.3470delA).
Protein change: p.Glu1157fs; shifts the reading frame from glutamic acid 1157.
Molecular consequence: frameshift variant. On other transcripts: non-coding transcript variant (2).
Genome position (GRCh38, 1-based): chr5:112,839,064, A deleted. VCF-style (leftmost placement, unchanged base first): chr5-112839063-GA-G. GRCh37 (hg19) VCF-style: chr5-112174760-GA-G.
Other names: c.3470del, p.Glu1157fs (NM_001127510.3, NM_001354895.2, NM_001407450.1); c.3416del, p.Glu1139fs (NM_001127511.3); c.3524del, p.Glu1175fs (NM_001354896.2, NM_001407447.1, NM_001407448.1 and 1 more transcripts); c.3500del, p.Glu1167fs (NM_001354897.2); c.3395del, p.Glu1132fs (NM_001354898.2); c.3386del, p.Glu1129fs (NM_001354899.2); c.3347del, p.Glu1116fs (NM_001354900.2); c.3293del, p.Glu1098fs (NM_001354901.2, NM_001407453.1); and 11 more; short protein forms E1028fs, E1031fs, E1056fs, E1066fs, E1074fs, E1098fs, E1116fs, E1129fs.
Identifiers: ClinVar variation 2583184 (VCV002583184.2), dbSNP rs2533500760, ClinGen allele CA658760923.

ClinVar aggregate classification (germline): Pathogenic (1 of 4 stars; one submission).

Conditions:
Familial adenomatous polyposis 1 (FAP1). Also called: POLYPOSIS, ADENOMATOUS INTESTINAL; FAMILIAL ADENOMATOUS POLYPOSIS 1, ATTENUATED. Identifiers: MedGen C2713442, MONDO:0021056, OMIM 175100. Disease mechanism: loss of function.

Submission:

Myriad Genetics, Inc.
Classification: Pathogenic for Familial adenomatous polyposis 1. Last evaluated: 2023-05-08. Review status: criteria provided, single submitter. Criteria: Myriad Autosomal Dominant, Autosomal Recessive and X-Linked Classification Criteria (2023). Collection method: clinical testing. Allele origin: unknown.
Comment: This variant is considered pathogenic. This variant creates a frameshift predicted to result in premature protein truncation.